The following is an entry in ClinVar:

NM_001364857.2(ADGRB2):c.4554C>G (p.Ala1518=)

Gene: ADGRB2 (adhesion G protein-coupled receptor B2; minus strand). Cytogenetic location: 1p35.2.
Variant type: single nucleotide variant.
Coding change: c.4554C>G on transcript NM_001364857.2 (MANE Select); coding-DNA position 4554, C replaced by G.
Protein change: p.Ala1518=; no amino-acid change (alanine 1518 retained).
Molecular consequence: synonymous variant.
Genome position (GRCh38, 1-based): chr1:31,728,043, G>C on the plus strand (C>G on the coding strand, the complement: ADGRB2 is on the minus strand). VCF-style: chr1-31728043-G-C. GRCh37 (hg19) VCF-style: chr1-32193644-G-C.
Other names: c.4551C>G, p.Ala1517= (NM_001294335.2); c.4452C>G, p.Ala1484= (NM_001294336.2).
Identifiers: ClinVar variation 718417 (VCV000718417.32), dbSNP rs146421594, ClinGen allele CA734996.

ClinVar aggregate classification (germline): Benign. Review status: criteria provided, multiple submitters, no conflicts (2 of 4 stars). 2 submissions from 2 submitters: Benign (2). Last evaluated 2025-10-01.

Allele frequency attached by ClinVar (database versions not stated): ESP Exome Variant Server 0.00255; gnomAD 0.00266 and 0.00275; TOPMed 0.00321; 1000 Genomes Project 0.00359; 1000 Genomes Project 30x 0.00390.
gnomAD v4.1: 1,257 of 1,584,684 alleles (0.079%); highest among the groups gnomAD compares: African/African-American, 0.94%; 9 homozygotes.

Submissions (2):

Labcorp Genetics (formerly Invitae), Labcorp
Classification: Benign. Last evaluated: 2025-10-01. Review status: criteria provided, single submitter. Criteria: Invitae Variant Classification Sherloc (09022015). Collection method: clinical testing. Allele origin: germline.

CeGaT Center for Human Genetics Tuebingen
Classification: Benign. Last evaluated: 2022-10-01. Review status: criteria provided, single submitter. Criteria: CeGaT Center For Human Genetics Tuebingen Variant Classification Criteria Version 2. Collection method: clinical testing. Allele origin: germline. Affected: yes. Observed: 1 variant allele.
Comment: ADGRB2: BS1, BS2